The following is an entry in ClinVar:

ClinVar aggregate classification (germline): Uncertain significance (1 of 4 stars; one submission).

Allele frequency attached by ClinVar (database versions not stated): gnomAD exomes below 0.00001; gnomAD 0.00001; TOPMed 0.00001.
gnomAD v4.1: 4 of 1,614,086 alleles (0.00025%); highest among the groups gnomAD compares: Admixed American, 0.005%; no homozygotes.

Submission:

Labcorp Genetics (formerly Invitae), Labcorp
Classification: Uncertain significance. Last evaluated: 2024-07-08. Review status: criteria provided, single submitter. Criteria: Invitae Variant Classification Sherloc (09022015). Collection method: clinical testing. Allele origin: germline.
Comment: This sequence change replaces serine, which is neutral and polar, with glycine, which is neutral and non-polar, at codon 445 of the KCNH1 protein (p.Ser445Gly). This variant is present in population databases (no rsID available, gnomAD 0.0009%). This variant has not been reported in the literature in individuals affected with KCNH1-related conditions. Advanced modeling of protein sequence and biophysical properties (such as structural, functional, and spatial information, amino acid conservation, physicochemical variation, residue mobility, and thermodynamic stability) performed at Invitae indicates that this missense variant is expected to disrupt KCNH1 protein function with a positive predictive value of 80%. In summary, the available evidence is currently insufficient to determine the role of this variant in disease. Therefore, it has been classified as a Variant of Uncertain Significance.

NM_172362.3(KCNH1):c.1333A>G (p.Ser445Gly)

Gene: KCNH1 (potassium voltage-gated channel subfamily H member 1; minus strand). Cytogenetic location: 1q32.2.
Variant type: single nucleotide variant.
Coding change: c.1333A>G on transcript NM_172362.3 (MANE Select); coding-DNA position 1333, A replaced by G.
Protein change: p.Ser445Gly; replaces serine 445 with glycine.
Molecular consequence: missense variant.
Genome position (GRCh38, 1-based): chr1:210,919,769, T>C on the plus strand (A>G on the coding strand, the complement: KCNH1 is on the minus strand). VCF-style: chr1-210919769-T-C. GRCh37 (hg19) VCF-style: chr1-211093111-T-C.
Other names: c.1252A>G, p.Ser418Gly (NM_002238.4); short protein forms S418G, S445G.
Identifiers: ClinVar variation 2779112 (VCV002779112.3), dbSNP rs1046452487, ClinGen allele CA37137652.